The following is an entry in ClinVar:

ClinVar aggregate classification (germline): Uncertain significance (0 of 4 stars; one submission).

Conditions:
RAI1-related disorder. Also called: RAI1-related condition.

Submission:

PreventionGenetics, part of Exact Sciences
Classification: Uncertain significance for RAI1-related condition. Last evaluated: 2024-09-03. Review status: no assertion criteria provided. Collection method: clinical testing. Allele origin: germline.
Comment: The RAI1 c.1895T>C variant is predicted to result in the amino acid substitution p.Leu632Pro. To our knowledge, this variant has not been reported in the literature or in a large population database, indicating this variant is rare. At this time, the clinical significance of this variant is uncertain due to the absence of conclusive functional and genetic evidence.

NM_030665.4(RAI1):c.1895T>C (p.Leu632Pro)

Gene: RAI1 (retinoic acid induced 1; plus strand). Cytogenetic location: 17p11.2.
Variant type: single nucleotide variant.
Coding change: c.1895T>C on transcript NM_030665.4 (MANE Select); coding-DNA position 1895, T replaced by C.
Protein change: p.Leu632Pro; replaces leucine 632 with proline.
Molecular consequence: missense variant.
Genome position (GRCh38, 1-based): chr17:17,794,843, T>C. VCF-style: chr17-17794843-T-C. GRCh37 (hg19) VCF-style: chr17-17698157-T-C.
Other names: short protein forms L632P.
Identifiers: ClinVar variation 3346337 (VCV003346337.1).